The following is an entry in ClinVar:

ClinVar aggregate classification (germline): Uncertain significance (1 of 4 stars; one submission).

Submission:

Labcorp Genetics (formerly Invitae), Labcorp
Classification: Uncertain significance. Last evaluated: 2022-03-03. Review status: criteria provided, single submitter. Criteria: Invitae Variant Classification Sherloc (09022015). Collection method: clinical testing. Allele origin: germline.
Comment: In summary, the available evidence is currently insufficient to determine the role of this variant in disease. Therefore, it has been classified as a Variant of Uncertain Significance. Algorithms developed to predict the effect of missense changes on protein structure and function are either unavailable or do not agree on the potential impact of this missense change (SIFT: "Deleterious"; PolyPhen-2: "Benign"; Align-GVGD: "Class C0"). This sequence change replaces serine, which is neutral and polar, with tyrosine, which is neutral and polar, at codon 416 of the EIF2AK3 protein (p.Ser416Tyr). This variant has not been reported in the literature in individuals affected with EIF2AK3-related conditions. This variant is not present in population databases (gnomAD no frequency).

NM_004836.7(EIF2AK3):c.1247C>A (p.Ser416Tyr)

Gene: EIF2AK3 (eukaryotic translation initiation factor 2 alpha kinase 3; minus strand). Cytogenetic location: 2p11.2.
Variant type: single nucleotide variant.
Coding change: c.1247C>A on transcript NM_004836.7 (MANE Select); coding-DNA position 1247, C replaced by A.
Protein change: p.Ser416Tyr; replaces serine 416 with tyrosine.
Molecular consequence: missense variant.
Genome position (GRCh38, 1-based): chr2:88,588,820, G>T on the plus strand (C>A on the coding strand, the complement: EIF2AK3 is on the minus strand). VCF-style: chr2-88588820-G-T. GRCh37 (hg19) VCF-style: chr2-88888338-G-T.
Other names: c.794C>A, p.Ser265Tyr (NM_001313915.2); short protein forms S416Y, S265Y.
Identifiers: ClinVar variation 1467183 (VCV001467183.8), dbSNP rs2104434922, ClinGen allele CA347595147.
Genomic context (GRCh38, chr2:88,588,820, plus strand): 5'-CGAATTAAGGGTTTCCATTTGATTGTTGGTAAAGGAATAATTGCGTTTTCATTAGTGACA[G>T]ATTCCAAAGCCTTGGGACTTGAAGGAAACTTTTCTGAAATTCTGACTGATGACTGCAGAT-3'
Protein context (NP_004827.4, residues 406-426): KFPSSPKALE[Ser416Tyr]VTNENAIIPL